The following is an entry in ClinVar:

NM_016507.4(CDK12):c.4402T>C (p.Tyr1468His)

Gene: CDK12 (cyclin dependent kinase 12; plus strand). Cytogenetic location: 17q12.
Variant type: single nucleotide variant.
Coding change: c.4402T>C on transcript NM_016507.4 (MANE Select); coding-DNA position 4402, T replaced by C.
Protein change: p.Tyr1468His; replaces tyrosine 1468 with histidine.
Molecular consequence: missense variant.
Genome position (GRCh38, 1-based): chr17:39,531,245, T>C. VCF-style: chr17-39531245-T-C. GRCh37 (hg19) VCF-style: chr17-37687498-T-C.
Other names: c.4375T>C, p.Tyr1459His (NM_015083.4); c.4402T>C (NM_016507.2); short protein forms Y1459H, Y1468H.
Identifiers: ClinVar variation 133867 (VCV000133867.2), dbSNP rs587778180, ClinGen allele CA158025.

ClinVar aggregate classification (germline): Uncertain significance. Review status: criteria provided, single submitter (1 of 4 stars). 2 submissions from 2 submitters: Uncertain significance (1). 1 of the submissions does not count toward it. Last evaluated 2024-11-17.

Allele frequency attached by ClinVar (database versions not stated): gnomAD exomes below 0.00001 and 0.00003; gnomAD 0.00001 and 0.00002; ExAC 0.00002; TOPMed 0.00003.
gnomAD v4.1: 13 of 1,512,160 alleles (0.00086%); highest among the groups gnomAD compares: East Asian, 0.018%; no homozygotes.

Submissions (2):

Ambry Genetics
Classification: Uncertain significance. Last evaluated: 2024-11-17. Review status: criteria provided, single submitter. Criteria: Ambry Variant Classification Scheme 2023. Collection method: clinical testing. Allele origin: germline.
Comment: The p.Y1468H variant (also known as c.4402T>C), located in coding exon 14 of the CDK12 gene, results from a T to C substitution at nucleotide position 4402. The tyrosine at codon 1468 is replaced by histidine, an amino acid with similar properties. This amino acid position is conserved. In addition, this alteration is predicted to be tolerated by in silico analysis. Based on the available evidence, the clinical significance of this variant remains unclear.

ITMI
No classification provided. Condition: AllHighlyPenetrant. Last evaluated: 2013-09-19. Review status: no classification provided. Collection method: reference population. Allele origin: germline. Not counted in ClinVar's aggregate classification.
Comment: Please see associated publication for description of ethnicities

Literature cited by the submitters: PubMed 24728327 (cited by ITMI).